The following is an entry in ClinVar:

ClinVar aggregate classification (germline): Benign. Review status: criteria provided, multiple submitters, no conflicts (2 of 4 stars). 2 submissions from 2 submitters: Benign (2). Last evaluated 2018-01-13.

Conditions:
Coxopodopatellar syndrome. Also called: ISCHIOPATELLAR DYSPLASIA; SCOTT-TAOR SYNDROME; Small patella syndrome; ISCHIOCOXOPODOPATELLAR SYNDROME; PATELLA APLASIA, COXA VARA, AND TARSAL SYNOSTOSIS; Congenital coxa vara, patella aplasia and tarsal synostosis. Identifiers: Orphanet 1509, MedGen C1840061, MONDO:0007841, OMIM 147891.

Allele frequency attached by ClinVar (database versions not stated): gnomAD 0.07288 and 0.07546; TOPMed 0.07343; 1000 Genomes Project 30x 0.07386; 1000 Genomes Project 0.08247; gnomAD exomes 0.08530.
gnomAD v4.1: 28,702 of 353,418 alleles (8.1%); highest among the groups gnomAD compares: South Asian, 11%; 1,466 homozygotes.

Submissions (2):

Illumina Laboratory Services, Illumina
Classification: Benign for Coxopodopatellar syndrome. Last evaluated: 2018-01-13. Review status: criteria provided, single submitter. Criteria: ICSL Variant Classification Criteria 13 December 2019. Collection method: clinical testing. Allele origin: germline.
Comment: This variant was observed in the ICSL laboratory as part of a predisposition screen in an ostensibly healthy population. It had not been previously curated by ICSL or reported in the Human Gene Mutation Database (HGMD: prior to June 1st, 2018), and was therefore a candidate for classification through an automated scoring system. Utilizing variant allele frequency, disease prevalence and penetrance estimates, and inheritance mode, an automated score was calculated to assess if this variant is too frequent to cause the disease. Based on the score and internal cut-off values, a variant classified as benign is not then subjected to further curation. The score for this variant resulted in a classification of benign for this disease.

Breakthrough Genomics
Classification: Benign. Review status: criteria provided, single submitter. Criteria: ACMG Guidelines, 2015. Collection method: not provided. Allele origin: germline. Inheritance: Autosomal recessive inheritance. Affected: yes.

NM_001321120.2(TBX4):c.*327G>A

Gene: TBX4 (T-box transcription factor 4; plus strand). Cytogenetic location: 17q23.2.
Variant type: single nucleotide variant.
Coding change: c.*327G>A on transcript NM_001321120.2 (MANE Select); 327 bases downstream of the stop codon, G replaced by A.
Molecular consequence: 3 prime UTR variant.
Genome position (GRCh38, 1-based): chr17:61,483,843, G>A. VCF-style: chr17-61483843-G-A. GRCh37 (hg19) VCF-style: chr17-59561204-G-A.
Other names: c.*327G>A (LRG_1206t1, NM_018488.3).
Identifiers: ClinVar variation 324280 (VCV000324280.6), dbSNP rs58804550, ClinGen allele CA10649711.